The following is an entry in ClinVar:

NM_000057.4(BLM):c.2284del (p.Leu762fs)

Gene: BLM (BLM RecQ like helicase; plus strand). Cytogenetic location: 15q26.1.
Variant type: Deletion.
Coding change: c.2284del on transcript NM_000057.4 (MANE Select); coding-DNA position 2284, one base deleted (C; older notation c.2284delC).
Protein change: p.Leu762fs; shifts the reading frame from leucine 762.
Molecular consequence: frameshift variant.
Genome position (GRCh38, 1-based): chr15:90,767,000, C deleted. VCF-style (leftmost placement, unchanged base first): chr15-90766999-AC-A. GRCh37 (hg19) VCF-style: chr15-91310229-AC-A.
Other names: c.2284del, p.Leu762fs (NM_001287246.2, NM_001287247.2); c.1159del, p.Leu387fs (NM_001287248.2); short protein forms L387fs, L762fs.
Identifiers: ClinVar variation 1459828 (VCV001459828.6), dbSNP rs2151164000, ClinGen allele CA2573151434.

ClinVar aggregate classification (germline): Pathogenic (1 of 4 stars; one submission).

Conditions:
Bloom syndrome (BLM). Also called: Bloom-Torre-Machacek syndrome. Identifiers: Orphanet 125, MedGen C0005859, MONDO:0008876, OMIM 210900.

Submission:

Labcorp Genetics (formerly Invitae), Labcorp
Classification: Pathogenic for Bloom syndrome. Last evaluated: 2022-02-02. Review status: criteria provided, single submitter. Criteria: Invitae Variant Classification Sherloc (09022015). Collection method: clinical testing. Allele origin: germline.
Comment: For these reasons, this variant has been classified as Pathogenic. This variant has not been reported in the literature in individuals affected with BLM-related conditions. This variant is not present in population databases (gnomAD no frequency). This sequence change creates a premature translational stop signal (p.Leu762Phefs*53) in the BLM gene. It is expected to result in an absent or disrupted protein product. Loss-of-function variants in BLM are known to be pathogenic (PMID: 17407155).

Literature cited by the submitters: PubMed 17407155.